The following is an entry in ClinVar:

ClinVar aggregate classification (germline): Likely pathogenic. Review status: criteria provided, single submitter (1 of 4 stars). 2 submissions from 2 submitters: Likely pathogenic (1). 1 of the submissions does not count toward it.

Conditions:
Osteogenesis imperfecta with normal sclerae, dominant form (OI4). Also called: OSTEOGENESIS IMPERFECTA WITH NORMAL SCLERAE; OSTEOGENESIS IMPERFECTA, TYPE IV, WITH DENTINOGENESIS IMPERFECTA; Osteogenesis imperfecta type 4; Osteogenesis Imperfecta Type IV; Common Variable Osteogenesis Imperfecta with Normal Sclerae. Identifiers: Orphanet 216820, Orphanet 666, MedGen C0268363, MONDO:0008148, OMIM 166220.
Osteoporosis. Identifiers: MedGen C0029456, MONDO:0005298, OMIM 166710, HP:0000939.
Ehlers-Danlos syndrome, arthrochalasia type. Also called: Ehlers-Danlos syndrome, arthrochalasis type; ARTHROCHALASIS MULTIPLEX CONGENITA; Ehlers-Danlos syndrome, arthrochalasia type, 1; EDS VII, MUTANT PROCOLLAGEN TYPE; EDS VIIA. Identifiers: Orphanet 1899, Orphanet 99875, Orphanet 99876, MedGen C4551623, MONDO:0007525, OMIM 130060.
Combined osteogenesis imperfecta and Ehlers-Danlos syndrome 1. Also called: OIEDS SYNDROME 1. Identifiers: MedGen C5436842, MONDO:0030854, OMIM 619115.
Osteogenesis imperfecta type I (OI1). Also called: OI, TYPE I; OSTEOGENESIS IMPERFECTA TARDA; OSTEOGENESIS IMPERFECTA WITH BLUE SCLERAE; Lobstein disease; Osteogenesis imperfecta type 1; Lobstein's Disease. Identifiers: Orphanet 216796, Orphanet 666, MedGen C0023931, MONDO:0008146, OMIM 166200. Disease mechanism: loss of function.
Osteogenesis imperfecta, perinatal lethal (OI2). Also called: Osteogenesis imperfecta type 2; Osteogenesis imperfecta, dominant perinatal lethal; OI, TYPE II; OSTEOGENESIS IMPERFECTA CONGENITA; VROLIK TYPE OF OSTEOGENESIS IMPERFECTA; OSTEOGENESIS IMPERFECTA, TYPE II. Identifiers: Orphanet 216804, MedGen C0268358, MONDO:0008147, OMIM 166210.
Osteogenesis imperfecta type III (OI3). Also called: Osteogenesis imperfecta type 3; OI type 3; Osteogenesis imperfecta, progressively deforming with normal sclerae; OI type III; Progressively Deforming Osteogenesis Imperfecta. Identifiers: Orphanet 216812, Orphanet 666, MedGen C0268362, MONDO:0009804, OMIM 259420.
Infantile cortical hyperostosis. Also called: Hyperostosis, Cortical, Congenital; Caffey Disease; P1PK BLOOD GROUP SYSTEM, P(2) PHENOTYPE. Identifiers: Orphanet 1310, MedGen C0020497, MONDO:0007244, OMIM 114000.
Osteogenesis imperfecta, type III/IV. Identifiers: MedGen C4015948.

Submissions (2):

Juno Genomics, Hangzhou Juno Genomics, Inc
Classification: Likely pathogenic for Infantile cortical hyperostosis; Combined osteogenesis imperfecta and Ehlers-Danlos syndrome 1; Ehlers-Danlos syndrome, arthrochalasia type; Osteogenesis imperfecta type I; Osteogenesis imperfecta, perinatal lethal; Osteogenesis imperfecta type III; Osteogenesis imperfecta with normal sclerae, dominant form; Osteoporosis. Review status: criteria provided, single submitter. Criteria: ACMG Guidelines, 2015. Collection method: clinical testing. Allele origin: germline. Affected: yes.
Comment: Absent from controls (or at extremely low frequency if recessive) in Genome Aggregation Database, Exome Sequencing Project, 1000 Genomes Project, or Exome Aggregation Consortium.;Multiple lines of computational evidence support a deleterious effect on the gene or gene product (conservation, evolutionary, splicing impact, etc).;The prevalence of the variant in affected individuals is significantly increased compared to the prevalence in controls.;De novo (both maternity and paternity confirmed) in a patient with the disease and no family history.;Missense variant in a gene that has a low rate of benign missense variation and where missense variants are a common mechanism of disease.;Patient's phenotype or family history is highly specific for a disease with a single genetic etiology.

OMIM
Classification: Pathogenic for OSTEOGENESIS IMPERFECTA, TYPE III/IV. Last evaluated: 1991-11-01. Review status: no assertion criteria provided. Collection method: literature only. Allele origin: germline. Not counted in ClinVar's aggregate classification.

Literature cited by the submitters: PubMed 1770532 (cited by OMIM); PubMed 2794057 (cited by OMIM).

NM_000088.4(COL1A1):c.1777G>T (p.Gly593Cys)

Gene: COL1A1 (collagen type I alpha 1 chain; minus strand). Cytogenetic location: 17q21.33.
Variant type: single nucleotide variant.
Coding change: c.1777G>T on transcript NM_000088.4 (MANE Select); coding-DNA position 1777, G replaced by T.
Protein change: p.Gly593Cys; replaces glycine 593 with cysteine.
Molecular consequence: missense variant.
Genome position (GRCh38, 1-based): chr17:50,193,038, C>A on the plus strand (G>T on the coding strand, the complement: COL1A1 is on the minus strand). VCF-style: chr17-50193038-C-A. GRCh37 (hg19) VCF-style: chr17-48270399-C-A.
Other names: G415C; c.1777G>T (NM_000088.3); short protein forms G593C.
Identifiers: ClinVar variation 17315 (VCV000017315.4), dbSNP rs66527965, ClinGen allele CA127133.